The following is an entry in ClinVar:

ClinVar aggregate classification (germline): Uncertain significance (1 of 4 stars; one submission).

Conditions:
Mucolipidosis type II. Also called: ML II ALPHA/BETA; Mucolipidosis 2; ML 2; Inclusion cell disease; Leroy Disease; N-acetylglucosamine 1phosphotransferase deficiency. Identifiers: Orphanet 576, MedGen C2673377, MONDO:0009650, OMIM 252500.
Pseudo-Hurler polydystrophy. Also called: ML III; ML III ALPHA/BETA; MUCOLIPIDOSIS IIIA; Type III Mucolipidosis; ML IIIA; Mucolipidosis III Alpha/Beta. Identifiers: Orphanet 423461, Orphanet 577, MedGen C0033788, MONDO:0018931, OMIM 252600.

gnomAD v4.1: 14 of 1,595,984 alleles (0.00088%); highest among the groups gnomAD compares: Non-Finnish European, 0.0012%; no homozygotes.

Submission:

Labcorp Genetics (formerly Invitae), Labcorp
Classification: Uncertain significance for Pseudo-Hurler polydystrophy; Mucolipidosis type II. Last evaluated: 2025-04-10. Review status: criteria provided, single submitter. Criteria: Invitae Variant Classification Sherloc (09022015). Collection method: clinical testing. Allele origin: germline.
Comment: This sequence change replaces aspartic acid, which is acidic and polar, with valine, which is neutral and non-polar, at codon 538 of the GNPTAB protein (p.Asp538Val). This variant is not present in population databases (gnomAD no frequency). This variant has not been reported in the literature in individuals affected with GNPTAB-related conditions. An algorithm developed to predict the effect of missense changes on protein structure and function (PolyPhen-2) suggests that this variant is likely to be disruptive. Algorithms developed to predict the effect of sequence changes on RNA splicing suggest that this variant may disrupt the consensus splice site. In summary, the available evidence is currently insufficient to determine the role of this variant in disease. Therefore, it has been classified as a Variant of Uncertain Significance.

NM_024312.5(GNPTAB):c.1613A>T (p.Asp538Val)

Gene: GNPTAB (N-acetylglucosamine-1-phosphate transferase subunits alpha and beta; minus strand). Cytogenetic location: 12q23.2.
Variant type: single nucleotide variant.
Coding change: c.1613A>T on transcript NM_024312.5 (MANE Select); coding-DNA position 1613, A replaced by T.
Protein change: p.Asp538Val; replaces aspartic acid 538 with valine.
Molecular consequence: missense variant.
Genome position (GRCh38, 1-based): chr12:101,765,304, T>A on the plus strand (A>T on the coding strand, the complement: GNPTAB is on the minus strand). VCF-style: chr12-101765304-T-A. GRCh37 (hg19) VCF-style: chr12-102159082-T-A.
Other names: short protein forms D538V.
Identifiers: ClinVar variation 4787997 (VCV004787997.1).